The following is an entry in ClinVar:

ClinVar aggregate classification (germline): Pathogenic (1 of 4 stars; one submission).

Conditions:
KCNQ2-Related Disorders. Also called: KCNQ2-related disorder; KCNQ2-related condition. Identifiers: MedGen CN169299.

Submission:

Women's Health and Genetics/Laboratory Corporation of America, LabCorp
Classification: Pathogenic for KCNQ2-Related Disorders. Last evaluated: 2024-06-11. Review status: criteria provided, single submitter. Criteria: LabCorp Variant Classification Summary - May 2015. Collection method: clinical testing. Allele origin: germline.
Comment: Variant summary: The variant involves the deletion of exon 1 in the KCNQ2 gene. A presumed nomenclature of c.(?_-193)_(296+1_297-1)del has been designated for the purposes of this classification. The exact breakpoint at the 5' end of this variant is unknown, therefore this deletion may extend upstream of the annotated region of this gene. Although the exact breakpoints of this deletion are not known, it is predicted to remove the initiation codon and result in an absence of protein or a truncation of the encoded protein due to translation initiation at a downstream site. The variant was absent in 21694 control chromosomes. c.(?_-193)_(296+1_297-1)del has been reported in the literature in at least two related individuals affected with benign familial neonatal seizures (e.g. Zara_2013). These data indicate that the variant is likely associated with disease. To our knowledge, no experimental evidence demonstrating an impact on protein function has been reported. ClinVar contains an entry for this variant (Variation ID: 872800). Based on the evidence outlined above, the variant was classified as pathogenic.

Literature cited by the submitters: PubMed 23360469.

NC_000020.10:g.(62078191_62103520)_(62104009_?)del

Gene: KCNQ2 (potassium voltage-gated channel subfamily Q member 2; minus strand). Cytogenetic location: 20q13.33.
Variant type: Deletion.
Identifiers: ClinVar variation 3339624 (VCV003339624.1).